The following is an entry in ClinVar:

NM_001134363.3(RBM20):c.2862C>T (p.Asp954=)

Gene: RBM20 (RNA binding motif protein 20; plus strand). Cytogenetic location: 10q25.2.
Variant type: single nucleotide variant.
Coding change: c.2862C>T on transcript NM_001134363.3 (MANE Select); coding-DNA position 2862, C replaced by T.
Protein change: p.Asp954=; no amino-acid change (aspartic acid 954 retained).
Molecular consequence: synonymous variant.
Genome position (GRCh38, 1-based): chr10:110,821,481, C>T. VCF-style: chr10-110821481-C-T. GRCh37 (hg19) VCF-style: chr10-112581239-C-T.
Other names: p.D954D:GAC>GAT; c.2862C>T (LRG_382t1).
Identifiers: ClinVar variation 202049 (VCV000202049.15), dbSNP rs751775695, ClinGen allele CA335522.
Genomic context (GRCh38, chr10:110,821,481, plus strand): 5'-CATTGACCAGAAAGACAAAATTTGCCCAGAAACATGTCTGTGTGTGACAACCACCTTAGA[C>T]TTAGACCTGGCCCAGGATTTCCCCAAGGAAGGAGTCAAGGCCGTAGGGAATGGGGCTGCA-3'
Protein context (NP_001127835.2, residues 944-964): ETCLCVTTTL[Asp954=]LDLAQDFPKE

ClinVar aggregate classification (germline): Benign/Likely benign. Review status: criteria provided, multiple submitters, no conflicts (2 of 4 stars). 5 submissions from 5 submitters: Benign (1); Likely benign (4). Last evaluated 2025-04-09.

Conditions:
Cardiovascular phenotype. Identifiers: MedGen CN230736.
Dilated cardiomyopathy 1DD (CMD1DD). Identifiers: Orphanet 154, MedGen C2750995, MONDO:0013168, OMIM 613172.

Allele frequency attached by ClinVar (database versions not stated): gnomAD exomes 0.00001 and 0.00004; ExAC 0.00005; gnomAD 0.00009; TOPMed 0.00009.
gnomAD v4.1: 31 of 1,551,796 alleles (0.002%); highest among the groups gnomAD compares: Admixed American, 0.037%; no homozygotes.

Submissions (5):

Molecular Diagnostic Laboratory for Inherited Cardiovascular Disease, Montreal Heart Institute
Classification: Likely benign. Last evaluated: 2025-04-09. Review status: criteria provided, single submitter. Criteria: ACMG Guidelines, 2015. Collection method: clinical testing. Allele origin: germline. Affected: no.

Blueprint Genetics
Classification: Likely benign. Last evaluated: 2024-09-11. Review status: criteria provided, single submitter. Criteria: ACMG Guidelines, 2015. Collection method: clinical testing. Allele origin: germline.

Labcorp Genetics (formerly Invitae), Labcorp
Classification: Likely benign for Dilated cardiomyopathy 1DD. Last evaluated: 2023-12-28. Review status: criteria provided, single submitter. Criteria: Invitae Variant Classification Sherloc (09022015). Collection method: clinical testing. Allele origin: germline.

Ambry Genetics
Classification: Likely benign for Cardiovascular phenotype. Last evaluated: 2020-01-07. Review status: criteria provided, single submitter. Criteria: Ambry Variant Classification Scheme 2023. Collection method: clinical testing. Allele origin: germline.

GeneDx
Classification: Benign. Last evaluated: 2014-11-05. Review status: criteria provided, single submitter. Criteria: GeneDx Variant Classification (06012015). Collection method: clinical testing. Allele origin: germline. Affected: yes.
Comment: This variant is considered likely benign or benign based on one or more of the following criteria: it is a conservative change, it occurs at a poorly conserved position in the protein, it is predicted to be benign by multiple in silico algorithms, and/or has population frequency not consistent with disease.